The following is an entry in ClinVar:

ClinVar aggregate classification (germline): Pathogenic (1 of 4 stars; one submission).

Submission:

Labcorp Genetics (formerly Invitae), Labcorp
Classification: Pathogenic. Last evaluated: 2025-03-02. Review status: criteria provided, single submitter. Criteria: Invitae Variant Classification Sherloc (09022015). Collection method: clinical testing. Allele origin: germline.
Comment: This sequence change creates a premature translational stop signal (p.Thr431Profs*11) in the SLC4A1 gene. It is expected to result in an absent or disrupted protein product. Loss-of-function variants in SLC4A1 are known to be pathogenic (PMID: 8943874, 10926824, 23255290). This variant is not present in population databases (gnomAD no frequency). This variant has not been reported in the literature in individuals affected with SLC4A1-related conditions. For these reasons, this variant has been classified as Pathogenic.

Literature cited by the submitters: PubMed 8943874; PubMed 10926824; PubMed 23255290.

NM_000342.4(SLC4A1):c.1290del (p.Thr431fs)

Gene: SLC4A1 (solute carrier family 4 member 1 (Diego blood group); minus strand). Cytogenetic location: 17q21.31.
Variant type: Deletion.
Coding change: c.1290del on transcript NM_000342.4 (MANE Select); coding-DNA position 1290, one base deleted (G; older notation c.1290delG).
Protein change: p.Thr431fs; shifts the reading frame from threonine 431.
Molecular consequence: frameshift variant.
Genome position (GRCh38, 1-based): chr17:44,257,800, C deleted on the plus strand (G on the coding strand, the reverse complement: SLC4A1 is on the minus strand). VCF-style (leftmost placement, unchanged base first): chr17-44257799-TC-T. GRCh37 (hg19) VCF-style: chr17-42335167-TC-T.
Other names: short protein forms T431fs.
Identifiers: ClinVar variation 4714186 (VCV004714186.1).